The following is an entry in ClinVar:

NM_000038.6(APC):c.6688A>G (p.Met2230Val)

Gene: APC (APC regulator of Wnt signaling pathway; plus strand). Cytogenetic location: 5q22.2.
Variant type: single nucleotide variant.
Coding change: c.6688A>G on transcript NM_000038.6 (MANE Select); coding-DNA position 6688, A replaced by G.
Protein change: p.Met2230Val; replaces methionine 2230 with valine.
Molecular consequence: missense variant.
Genome position (GRCh38, 1-based): chr5:112,842,282, A>G. VCF-style: chr5-112842282-A-G. GRCh37 (hg19) VCF-style: chr5-112177979-A-G.
Other names: c.6385A>G, p.Met2129Val (NM_001354903.2); c.6310A>G, p.Met2104Val (NM_001354904.2); c.6208A>G, p.Met2070Val (NM_001354905.2); c.5839A>G, p.Met1947Val (NM_001354906.2); c.6688A>G, p.Met2230Val (NM_001127510.3, NM_001354895.2); c.6634A>G, p.Met2212Val (NM_001127511.3); c.6742A>G, p.Met2248Val (NM_001354896.2); c.6718A>G, p.Met2240Val (NM_001354897.2); and 5 more; short protein forms M2212V, M2230V, M2070V, M2129V, M2171V, M2189V, M2202V, M2240V.
Identifiers: ClinVar variation 421931 (VCV000421931.29), dbSNP rs751547785, ClinGen allele CA045796.

ClinVar aggregate classification (germline): Uncertain significance. Review status: criteria provided, multiple submitters, no conflicts (2 of 4 stars). 11 submissions from 11 submitters: Uncertain significance (11). Last evaluated 2026-08-05.

Conditions:
APC-related disorder. Also called: APC-related condition.
Hereditary cancer-predisposing syndrome. Also called: Neoplastic Syndromes, Hereditary; Hereditary neoplastic syndrome; Hereditary Cancer Syndrome; Tumor predisposition. Identifiers: Orphanet 140162, MedGen C0027672, MeSH D009386, MONDO:0015356.
Familial adenomatous polyposis 1 (FAP1). Also called: POLYPOSIS, ADENOMATOUS INTESTINAL; FAMILIAL ADENOMATOUS POLYPOSIS 1, ATTENUATED. Identifiers: MedGen C2713442, MONDO:0021056, OMIM 175100. Disease mechanism: loss of function.
Classic or attenuated familial adenomatous polyposis. Identifiers: MedGen CN372698, MONDO:0021057.

Allele frequency attached by ClinVar (database versions not stated): ExAC 0.00001; gnomAD exomes 0.00001 and below 0.00001.
gnomAD v4.1: 6 of 1,614,034 alleles (0.00037%); highest among the groups gnomAD compares: Admixed American, 0.0017%; no homozygotes.

Submissions (11):

Ambry Genetics
Classification: Uncertain significance for Hereditary cancer-predisposing syndrome. Last evaluated: 2026-08-05. Review status: criteria provided, single submitter. Criteria: Ambry Variant Classification Scheme 2023. Collection method: clinical testing. Allele origin: germline.
Comment: The c.6688A>G (p.M2230V) alteration is located in exon 16 (coding exon 15) of the APC gene. This alteration results from a A to G substitution at nucleotide position 6688, causing the methionine (M) at amino acid position 2230 to be replaced by a valine (V). Based on data from gnomAD, the G allele has an overall frequency of <0.001% (1/250256) total alleles studied. The highest observed frequency was 0.003% (1/34558) of Latino alleles. Based on insufficient or conflicting evidence, the clinical significance of this alteration remains unclear.

PreventionGenetics, part of Exact Sciences
Classification: Uncertain significance for APC-related condition. Last evaluated: 2026-05-28. Review status: criteria provided, single submitter. Criteria: ACMG Guidelines, 2015. Collection method: clinical testing. Allele origin: germline.
Comment: The APC c.6688A>G variant is predicted to result in the amino acid substitution p.Met2230Val. To our knowledge, this variant has not been reported in the literature. This variant is reported in 0.0029% of alleles in individuals of Latino descent in gnomAD. This variant is interpreted as uncertain in ClinVar (Variation ID: 421931). At this time, the clinical significance of this variant is uncertain due to the absence of conclusive functional and genetic evidence.

Labcorp Genetics (formerly Invitae), Labcorp
Classification: Uncertain significance for Familial adenomatous polyposis 1. Last evaluated: 2025-12-09. Review status: criteria provided, single submitter. Criteria: Invitae Variant Classification Sherloc (09022015). Collection method: clinical testing. Allele origin: germline.
Comment: This sequence change replaces methionine, which is neutral and non-polar, with valine, which is neutral and non-polar, at codon 2230 of the APC protein (p.Met2230Val). This variant is present in population databases (rs751547785, gnomAD 0.003%). This variant has not been reported in the literature in individuals affected with APC-related conditions. ClinVar contains an entry for this variant (Variation ID: 421931). Invitae Evidence Modeling of protein sequence and biophysical properties (such as structural, functional, and spatial information, amino acid conservation, physicochemical variation, residue mobility, and thermodynamic stability) indicates that this missense variant is not expected to disrupt APC protein function with a negative predictive value of 95%. In summary, the available evidence is currently insufficient to determine the role of this variant in disease. Therefore, it has been classified as a Variant of Uncertain Significance.

Center for Genomic Medicine, Rigshospitalet, Copenhagen University Hospital
Classification: Uncertain significance. Last evaluated: 2025-03-04. Review status: criteria provided, single submitter. Criteria: ACMG Guidelines, 2015. Collection method: clinical testing. Allele origin: germline.
Comment: Classification criteria: BP1

GeneDx
Classification: Uncertain significance. Last evaluated: 2024-07-29. Review status: criteria provided, single submitter. Criteria: GeneDx Variant Classification Process June 2021. Collection method: clinical testing. Allele origin: germline. Affected: yes.
Comment: Not observed at significant frequency in large population cohorts (gnomAD); In silico analysis indicates that this missense variant does not alter protein structure/function; Has not been previously published as pathogenic or benign to our knowledge; This variant is associated with the following publications: (PMID: 18199528)

All of Us Research Program, National Institutes of Health
Classification: Uncertain significance for Classic or attenuated familial adenomatous polyposis. Last evaluated: 2023-12-18. Review status: criteria provided, single submitter. Criteria: ACMG Guidelines, 2015. Collection method: clinical testing. Allele origin: germline. Inheritance: Autosomal dominant inheritance. Observed: 1 variant allele, 1 heterozygote.
Comment: This missense variant replaces methionine with valine at codon 2230 of the APC protein. Computational prediction suggests that this variant may not impact protein structure and function (internally defined REVEL score threshold <= 0.5, PMID: 27666373). To our knowledge, functional studies have not been reported for this variant. This variant has not been reported in individuals affected with APC-related disorders in the literature. This variant has been identified in 1/250256 chromosomes in the general population by the Genome Aggregation Database (gnomAD). The available evidence is insufficient to determine the role of this variant in disease conclusively. Therefore, this variant is classified as a Variant of Uncertain Significance.

This study involves interpretation of variants in research participants for the purpose of population health screening. Participant phenotype was not available at the time of variant classification. Additional details can be found in publication PMID: 35346344, PMCID: PMC8962531

Color Diagnostics, LLC DBA Color Health
Classification: Uncertain significance for Hereditary cancer-predisposing syndrome. Last evaluated: 2023-11-22. Review status: criteria provided, single submitter. Criteria: ACMG Guidelines, 2015. Collection method: clinical testing. Allele origin: germline.
Comment: This missense variant replaces methionine with valine at codon 2230 of the APC protein. Computational prediction suggests that this variant may not impact protein structure and function (internally defined REVEL score threshold <= 0.5, PMID: 27666373). To our knowledge, functional studies have not been reported for this variant. This variant has not been reported in individuals affected with APC-related disorders in the literature. This variant has been identified in 1/250256 chromosomes in the general population by the Genome Aggregation Database (gnomAD). The available evidence is insufficient to determine the role of this variant in disease conclusively. Therefore, this variant is classified as a Variant of Uncertain Significance.

Baylor Genetics
Classification: Uncertain significance for Familial adenomatous polyposis 1. Last evaluated: 2023-09-06. Review status: criteria provided, single submitter. Criteria: ACMG Guidelines, 2015. Collection method: clinical testing. Allele origin: unknown.

Quest Diagnostics Nichols Institute San Juan Capistrano
Classification: Uncertain significance. Last evaluated: 2023-02-23. Review status: criteria provided, single submitter. Criteria: Quest Diagnostics criteria. Collection method: clinical testing. Allele origin: unknown.
Comment: To the best of our knowledge, the variant has not been reported in the published literature. The frequency of this variant in the general population, 0.000004 (1/250256 chromosomes), is uninformative in assessment of its pathogenicity. Analysis of this variant using bioinformatics tools for the prediction of the effect of amino acid changes on protein structure and function yielded conflicting predictions that this variant is deleterious or benign. Based on the available information, we are unable to determine the clinical significance of this variant.

Sema4
Classification: Uncertain significance for Hereditary cancer-predisposing syndrome. Last evaluated: 2022-03-16. Review status: criteria provided, single submitter. Criteria: Sema4 Curation Guidelines. Collection method: curation. Allele origin: germline.
Comment: The APC c.6688A>G(p.M2230V) variant has not been reported in the literature to our knowledge. This variant was observed in 1/34558 chromosomes in the Latino population, according to the Genome Aggregation Database (PMID: 32461654). The variant has been reported in ClinVar (Variation ID 421931). Functional studies have not been performed, and in silico predictions of the variant's effect on protein function are inconclusive. The evidence is insufficient to meet ACMG/AMP criteria for classifying the variant as benign or pathogenic. Thus, the clinical significance of this variant is currently uncertain.

Women's Health and Genetics/Laboratory Corporation of America, LabCorp
Classification: Uncertain significance. Last evaluated: 2017-11-20. Review status: criteria provided, single submitter. Criteria: LabCorp Variant Classification Summary - May 2015. Collection method: clinical testing. Allele origin: germline.
Comment: Variant summary: The APC c.6688A>G (p.Met2230Val) variant involves the alteration of a conserved nucleotide. 3/4 in silico tools predict a benign outcome for this variant (SNPsandGO not captured due to low reliability index). This variant was found in 1/245786 control chromosomes at a frequency of 0.0000041, which does not exceed the estimated maximal expected allele frequency of a pathogenic APC variant (0.0000714). In addition, one clinical diagnostic laboratory/reputable database classified this variant as uncertain significance. The variant of interest has not, to our knowledge, been reported in affected individuals via publications nor evaluated for functional impact by in vivo/vitro studies. Because of the absence of clinical information and the lack of functional studies, the variant is classified as a variant of uncertain significance (VUS) until additional information becomes available.